The following is an entry in ClinVar:

ClinVar aggregate classification (germline): Uncertain significance. Review status: criteria provided, multiple submitters, no conflicts (2 of 4 stars). 2 submissions from 2 submitters: Uncertain significance (2). Last evaluated 2024-05-09.

Conditions:
Spondylometaphyseal dysplasia - Sutcliffe type. Also called: Sutcliffe type of spondylometaphyseal dysplasia; Sutcliffe SMD; Spondylometaphyseal dysplasia, 'corner fracture' type; Spondylometaphyseal Dysplasia, Corner Fracture Type. Identifiers: Orphanet 93315, MedGen C0432221, MONDO:0008479, OMIM 184255.
Glomerulopathy with fibronectin deposits 2 (GFND2). Identifiers: Orphanet 84090, MedGen C1866075, MONDO:0011165, OMIM 601894.

Allele frequency attached by ClinVar (database versions not stated): TOPMed 0.00001; gnomAD exomes 0.00002; ExAC 0.00004; ESP Exome Variant Server 0.00015.
gnomAD v4.1: 24 of 1,612,224 alleles (0.0015%); highest among the groups gnomAD compares: Non-Finnish European, 0.002%; no homozygotes.

Submissions (2):

Fulgent Genetics
Classification: Uncertain significance for Spondylometaphyseal dysplasia - Sutcliffe type; Glomerulopathy with fibronectin deposits 2. Last evaluated: 2024-05-09. Review status: criteria provided, single submitter. Criteria: ACMG Guidelines, 2015. Collection method: clinical testing. Allele origin: germline.

Labcorp Genetics (formerly Invitae), Labcorp
Classification: Uncertain significance. Last evaluated: 2023-11-12. Review status: criteria provided, single submitter. Criteria: Invitae Variant Classification Sherloc (09022015). Collection method: clinical testing. Allele origin: germline.
Comment: This sequence change replaces valine, which is neutral and non-polar, with alanine, which is neutral and non-polar, at codon 1986 of the FN1 protein (p.Val1986Ala). This variant is present in population databases (rs144412333, gnomAD 0.004%). This variant has not been reported in the literature in individuals affected with FN1-related conditions. An algorithm developed to predict the effect of missense changes on protein structure and function (PolyPhen-2) suggests that this variant is likely to be tolerated. In summary, the available evidence is currently insufficient to determine the role of this variant in disease. Therefore, it has been classified as a Variant of Uncertain Significance.

NM_212482.4(FN1):c.5957T>C (p.Val1986Ala)

Genes: FN1 (fibronectin 1; minus strand), LOC126806496 (CDK7 strongly-dependent group 2 enhancer GRCh37_chr2:216240057-216241256; plus strand). Cytogenetic location: 2q35.
Variant type: single nucleotide variant.
Coding change: c.5957T>C on transcript NM_212482.4 (MANE Select); coding-DNA position 5957, T replaced by C.
Protein change: p.Val1986Ala; replaces valine 1986 with alanine.
Molecular consequence: missense variant.
Genome position (GRCh38, 1-based): chr2:215,375,649, A>G on the plus strand (T>C on the coding strand, the complement: FN1 is on the minus strand). VCF-style: chr2-215375649-A-G. GRCh37 (hg19) VCF-style: chr2-216240372-A-G.
Other names: c.5957T>C, p.Val1986Ala (NM_001306129.2); c.5687T>C, p.Val1896Ala (NM_001306130.2, NM_001365517.2, NM_001365519.2 and 2 more transcripts); c.5414T>C, p.Val1805Ala (NM_001306131.2, NM_001306132.2, NM_001365523.2 and 2 more transcripts); c.5684T>C, p.Val1895Ala (NM_001365518.2, NM_001365520.2, NM_001365524.2 and 2 more transcripts); short protein forms V1895A, V1805A, V1896A, V1986A.
Identifiers: ClinVar variation 2746136 (VCV002746136.4), dbSNP rs144412333, ClinGen allele CA2093988.